The following is an entry in ClinVar:

ClinVar aggregate classification (germline): Likely benign. Review status: criteria provided, multiple submitters, no conflicts (2 of 4 stars). 2 submissions from 2 submitters: Likely benign (2). Last evaluated 2025-05-14.

Allele frequency attached by ClinVar (database versions not stated): gnomAD exomes 0.00001; ExAC 0.00002; gnomAD 0.00003; TOPMed 0.00003; ESP Exome Variant Server 0.00008.
gnomAD v4.1: 14 of 1,608,056 alleles (0.00087%); highest among the groups gnomAD compares: African/African-American, 0.008%; no homozygotes.

Submissions (2):

Mayo Clinic Laboratories, Mayo Clinic
Classification: Likely benign. Last evaluated: 2025-05-14. Review status: criteria provided, single submitter. Criteria: ACMG Guidelines, 2015. Collection method: clinical testing. Allele origin: germline. Observed: 1 variant allele.
Comment: BP4, BP7

Labcorp Genetics (formerly Invitae), Labcorp
Classification: Likely benign. Last evaluated: 2025-02-17. Review status: criteria provided, single submitter. Criteria: Invitae Variant Classification Sherloc (09022015). Collection method: clinical testing. Allele origin: germline.

NM_000064.4(C3):c.1833G>A (p.Leu611=)

Gene: C3 (complement C3; minus strand). Cytogenetic location: 19p13.3.
Variant type: single nucleotide variant.
Coding change: c.1833G>A on transcript NM_000064.4 (MANE Select); coding-DNA position 1833, G replaced by A.
Protein change: p.Leu611=; no amino-acid change (leucine 611 retained).
Molecular consequence: synonymous variant.
Genome position (GRCh38, 1-based): chr19:6,709,696, C>T on the plus strand (G>A on the coding strand, the complement: C3 is on the minus strand). VCF-style: chr19-6709696-C-T. GRCh37 (hg19) VCF-style: chr19-6709707-C-T.
Other names: p.Leu611=.
Identifiers: ClinVar variation 1905493 (VCV001905493.6), dbSNP rs376714728, ClinGen allele CA9129326.
Genomic context (GRCh38, chr19:6,709,696, plus strand): 5'-CTCCGTGCCTCCGCCTCTTCTCAGCAGCCTTGGGTCACTGGCCCTTACCTTACTCTGCGT[C>T]AGTTTGTTCTTCTTATTCAGCACGAACACGCCCTTGTCCACGGCCACCAGTACCACCCGG-3'
Protein context (NP_000055.2, residues 601-621): GVFVLNKKNK[Leu611=]TQSKIWDVVE